The following is an entry in ClinVar:

NM_001205293.3(CACNA1E):c.4203C>G (p.Ile1401Met)

Gene: CACNA1E (calcium voltage-gated channel subunit alpha1 E; plus strand). Cytogenetic location: 1q25.3.
Variant type: single nucleotide variant.
Coding change: c.4203C>G on transcript NM_001205293.3 (MANE Select); coding-DNA position 4203, C replaced by G.
Protein change: p.Ile1401Met; replaces isoleucine 1401 with methionine.
Molecular consequence: missense variant.
Genome position (GRCh38, 1-based): chr1:181,757,000, C>G. VCF-style: chr1-181757000-C-G. GRCh37 (hg19) VCF-style: chr1-181726136-C-G.
Other names: c.4203C>G, p.Ile1401Met (NM_000721.4); c.4146C>G, p.Ile1382Met (NM_001205294.2); short protein forms I1382M, I1401M.
Identifiers: ClinVar variation 2729859 (VCV002729859.3), dbSNP rs2528973574, ClinGen allele CA343624310.

ClinVar aggregate classification (germline): Uncertain significance (1 of 4 stars; one submission).

Submission:

Labcorp Genetics (formerly Invitae), Labcorp
Classification: Uncertain significance. Last evaluated: 2023-06-27. Review status: criteria provided, single submitter. Criteria: Invitae Variant Classification Sherloc (09022015). Collection method: clinical testing. Allele origin: germline.
Comment: This variant has not been reported in the literature in individuals affected with CACNA1E-related conditions. Advanced modeling of protein sequence and biophysical properties (such as structural, functional, and spatial information, amino acid conservation, physicochemical variation, residue mobility, and thermodynamic stability) has been performed at Invitae for this missense variant, however the output from this modeling did not meet the statistical confidence thresholds required to predict the impact of this variant on CACNA1E protein function. In summary, the available evidence is currently insufficient to determine the role of this variant in disease. Therefore, it has been classified as a Variant of Uncertain Significance. This sequence change replaces isoleucine, which is neutral and non-polar, with methionine, which is neutral and non-polar, at codon 1401 of the CACNA1E protein (p.Ile1401Met). This variant is not present in population databases (gnomAD no frequency).